The following is an entry in ClinVar:

NM_001085458.2(CTNND1):c.148G>C (p.Asp50His)

Genes: CTNND1 (catenin delta 1; plus strand), TMX2-CTNND1 (TMX2-CTNND1 readthrough (NMD candidate); plus strand). Cytogenetic location: 11q12.1.
Variant type: single nucleotide variant.
Coding change: c.148G>C on transcript NM_001085458.2 (MANE Select); coding-DNA position 148, G replaced by C.
Protein change: p.Asp50His; replaces aspartic acid 50 with histidine.
Molecular consequence: missense variant. On other transcripts: non-coding transcript variant (1), 5 prime UTR variant (7), intron variant (8).
Genome position (GRCh38, 1-based): chr11:57,791,626, G>C. VCF-style: chr11-57791626-G-C. GRCh37 (hg19) VCF-style: chr11-57559098-G-C.
Other names: c.148G>C, p.Asp50His (NM_001085459.2, NM_001085460.2, NM_001085461.2 and 3 more transcripts); c.-15G>C (NM_001206883.2, NM_001206884.2, NM_001206886.2 and 4 more transcripts); c.-108-2384G>C (NM_001085467.2, NM_001206890.2, NM_001085463.2 and 4 more transcripts); c.-36-3951G>C (NM_001085469.2); short protein forms D50H.
Identifiers: ClinVar variation 1311724 (VCV001311724.2), dbSNP rs2060756768, ClinGen allele CA380723112.

ClinVar aggregate classification (germline): Uncertain significance (1 of 4 stars; one submission).

Allele frequency attached by ClinVar (database versions not stated): gnomAD exomes below 0.00001; TOPMed below 0.00001.

Submission:

GeneDx
Classification: Uncertain significance. Last evaluated: 2019-09-04. Review status: criteria provided, single submitter. Criteria: GeneDx Variant Classification Process June 2021. Collection method: clinical testing. Allele origin: germline. Affected: yes.
Comment: Not observed in large population cohorts (Lek et al., 2016); In silico analysis, which includes protein predictors and evolutionary conservation, supports that this variant does not alter protein structure/function; Has not been previously published as pathogenic or benign to our knowledge